The following is an entry in ClinVar:

NM_005902.4(SMAD3):c.381C>T (p.Tyr127=)

Gene: SMAD3 (SMAD family member 3; plus strand). Cytogenetic location: 15q22.33.
Variant type: single nucleotide variant.
Coding change: c.381C>T on transcript NM_005902.4 (MANE Select); coding-DNA position 381, C replaced by T.
Protein change: p.Tyr127=; no amino-acid change (tyrosine 127 retained).
Molecular consequence: synonymous variant.
Genome position (GRCh38, 1-based): chr15:67,165,069, C>T. VCF-style: chr15-67165069-C-T. GRCh37 (hg19) VCF-style: chr15-67457407-C-T.
Other names: c.66C>T, p.Tyr22= (NM_001145102.2); c.249C>T, p.Tyr83= (NM_001145103.2).
Identifiers: ClinVar variation 263909 (VCV000263909.14), dbSNP rs886038971, ClinGen allele CA10587873.
Genomic context (GRCh38, chr15:67,165,069, plus strand): 5'-GCTGTGTGAGTTCGCCTTCAATATGAAGAAGGACGAGGTCTGCGTGAATCCCTACCACTA[C>T]CAGAGAGTAGAGACACCAGGTATGCTGCCTGGCCTGCCTGTGGGGACAGCAGGTGCCAGG-3'
Protein context (NP_005893.1, residues 117-137): KDEVCVNPYH[Tyr127=]QRVETPVLPP

ClinVar aggregate classification (germline): Likely benign. Review status: criteria provided, multiple submitters, no conflicts (2 of 4 stars). 4 submissions from 4 submitters: Likely benign (4). Last evaluated 2026-01-07.

Conditions:
SMAD3-related disorder. Also called: SMAD3-related condition.
Familial thoracic aortic aneurysm and aortic dissection (TAAD). Also called: Thoracic aortic aneurysms and dissections. Identifiers: Orphanet 91387, MedGen C4707243, MONDO:0019625.

Allele frequency attached by ClinVar (database versions not stated): gnomAD exomes below 0.00001; gnomAD 0.00001.
gnomAD v4.1: 5 of 1,614,100 alleles (0.00031%); highest among the groups gnomAD compares: African/African-American, 0.0053%; no homozygotes.

Submissions (4):

Labcorp Genetics (formerly Invitae), Labcorp
Classification: Likely benign for Familial thoracic aortic aneurysm and aortic dissection. Last evaluated: 2026-01-07. Review status: criteria provided, single submitter. Criteria: Invitae Variant Classification Sherloc (09022015). Collection method: clinical testing. Allele origin: germline.

PreventionGenetics, part of Exact Sciences
Classification: Likely benign for SMAD3-related condition. Last evaluated: 2025-07-29. Review status: criteria provided, single submitter. Criteria: ACMG Guidelines, 2015. Collection method: clinical testing. Allele origin: germline.
Comment: This variant is classified as likely benign based on ACMG/AMP sequence variant interpretation guidelines (Richards et al. 2015 PMID: 25741868, with internal and published modifications).

GeneDx
Classification: Likely benign. Last evaluated: 2017-04-25. Review status: criteria provided, single submitter. Criteria: GeneDx Variant Classification (06012015). Collection method: clinical testing. Allele origin: germline. Affected: yes.
Comment: This variant is considered likely benign or benign based on one or more of the following criteria: it is a conservative change, it occurs at a poorly conserved position in the protein, it is predicted to be benign by multiple in silico algorithms, and/or has population frequency not consistent with disease.

Ambry Genetics
Classification: Likely benign for Familial thoracic aortic aneurysm and aortic dissection. Last evaluated: 2015-03-02. Review status: criteria provided, single submitter. Criteria: Ambry Variant Classification Scheme 2023. Collection method: clinical testing. Allele origin: germline.